The following is an entry in ClinVar:

NM_001009944.3(PKD1):c.2534T>A (p.Leu845Ter)

Gene: PKD1 (polycystin 1, transient receptor potential channel interacting; minus strand). Cytogenetic location: 16p13.3.
Variant type: single nucleotide variant.
Coding change: c.2534T>A on transcript NM_001009944.3 (MANE Select); coding-DNA position 2534, T replaced by A.
Protein change: p.Leu845Ter; replaces leucine 845 with a stop codon.
Molecular consequence: nonsense.
Genome position (GRCh38, 1-based): chr16:2,114,489, A>T on the plus strand (T>A on the coding strand, the complement: PKD1 is on the minus strand). VCF-style: chr16-2114489-A-T. GRCh37 (hg19) VCF-style: chr16-2164490-A-T.
Other names: c.2534T>A (NM_001009944.2); c.2534T>A, p.Leu845Ter (NM_000296.4); short protein forms L845*.
Identifiers: ClinVar variation 873390 (VCV000873390.6), dbSNP rs199476100, ClinGen allele CA394387577.

ClinVar aggregate classification (germline): Pathogenic/Likely pathogenic. Review status: criteria provided, multiple submitters, no conflicts (2 of 4 stars). 5 submissions from 5 submitters: Pathogenic (4); Likely pathogenic (1). Last evaluated 2026-06-01.

Conditions:
PKD1-related disorder. Also called: PKD1-related condition.
Polycystic kidney disease, adult type (PKD1). Also called: Polycystic Kidney Disease 1, Autosomal Dominant; Polycystic kidney disease 1; Polycystic kidney disease 1, severe; POLYCYSTIC KIDNEY DISEASE 1 WITH OR WITHOUT POLYCYSTIC LIVER DISEASE; Polycystic Kidney, Autosomal Dominant; POLYCYSTIC KIDNEY DISEASE, ADULT, TYPE I. Identifiers: MedGen C3149841, MONDO:0008263, OMIM 173900.

Submissions (5):

CeGaT Center for Human Genetics Tuebingen
Classification: Pathogenic. Last evaluated: 2026-06-01. Review status: criteria provided, single submitter. Criteria: CeGaT Center For Human Genetics Tuebingen Variant Classification Criteria Version 2. Collection method: clinical testing. Allele origin: germline. Affected: yes. Observed: 1 variant allele.
Comment: PKD1: PVS1, PS4, PM2

GeneDx
Classification: Pathogenic. Last evaluated: 2024-11-22. Review status: criteria provided, single submitter. Criteria: GeneDx Variant Classification Process June 2021. Collection method: clinical testing. Allele origin: germline. Affected: yes.
Comment: Nonsense variant predicted to result in protein truncation or nonsense mediated decay in a gene for which loss of function is a known mechanism of disease; Not observed at significant frequency in large population cohorts (gnomAD); This variant is associated with the following publications: (PMID: 33454723, 33639313, 37543885, 34032358)

Blueprint Genetics
Classification: Pathogenic for PKD1-related disorders. Last evaluated: 2024-09-08. Review status: criteria provided, single submitter. Criteria: ACMG Guidelines, 2015. Collection method: clinical testing. Allele origin: germline. Affected: yes. Observed: 1 variant allele.

Eurofins-Biomnis
Classification: Likely pathogenic for Polycystic kidney disease, adult type. Last evaluated: 2022-10-07. Review status: criteria provided, single submitter. Criteria: Accession Criteria ClinVar Biomnis. Collection method: clinical testing. Allele origin: germline. Affected: yes. Observed: 1 heterozygote.

Cavalleri Lab, Royal College of Surgeons in Ireland
Classification: Pathogenic for Polycystic kidney disease, adult type. Last evaluated: 2020-02-05. Review status: criteria provided, single submitter. Criteria: ACMG Guidelines, 2015. Collection method: research. Allele origin: unknown. Inheritance: Autosomal dominant inheritance. Affected: yes.
Comment: PVS1, PM2, PP3, PP4